The following is an entry in ClinVar:

ClinVar aggregate classification (germline): Uncertain significance (1 of 4 stars; one submission).

Conditions:
Hypercholesterolemia, autosomal dominant, 3 (FHCL3). Also called: Familial Hypercholesterolemia, Autosomal Dominant, 3; PCSK9-Related Familial Hypercholesterolemia, Autosomal Dominant; Familial hypercholesterolemia 3. Identifiers: MedGen C1863551, MONDO:0011369, OMIM 603776.

gnomAD v4.1: 1 of 1,579,610 alleles (0.000063%); highest among the groups gnomAD compares: Non-Finnish European, 0.000086%; no homozygotes.

Submission:

Labcorp Genetics (formerly Invitae), Labcorp
Classification: Uncertain significance for Hypercholesterolemia, autosomal dominant, 3. Last evaluated: 2025-11-03. Review status: criteria provided, single submitter. Criteria: Invitae Variant Classification Sherloc (09022015). Collection method: clinical testing. Allele origin: germline.
Comment: This sequence change replaces alanine, which is neutral and non-polar, with aspartic acid, which is acidic and polar, at codon 44 of the PCSK9 protein (p.Ala44Asp). This variant is not present in population databases (gnomAD no frequency). This missense change has been observed in individual(s) with familial hypercholesterolemia (PMID: 34756585). Invitae Evidence Modeling of protein sequence and biophysical properties (such as structural, functional, and spatial information, amino acid conservation, physicochemical variation, residue mobility, and thermodynamic stability) indicates that this missense variant is not expected to disrupt PCSK9 protein function with a negative predictive value of 95%. In summary, the available evidence is currently insufficient to determine the role of this variant in disease. Therefore, it has been classified as a Variant of Uncertain Significance.

Literature cited by the submitters: PubMed 34756585.

NM_174936.4(PCSK9):c.131C>A (p.Ala44Asp)

Gene: PCSK9 (proprotein convertase subtilisin/kexin type 9; plus strand). Cytogenetic location: 1p32.3.
Variant type: single nucleotide variant.
Coding change: c.131C>A on transcript NM_174936.4 (MANE Select); coding-DNA position 131, C replaced by A.
Protein change: p.Ala44Asp; replaces alanine 44 with aspartic acid.
Molecular consequence: missense variant. On other transcripts: 5 prime UTR variant (1), non-coding transcript variant (8).
Genome position (GRCh38, 1-based): chr1:55,039,968, C>A. VCF-style: chr1-55039968-C-A. GRCh37 (hg19) VCF-style: chr1-55505641-C-A.
Other names: c.131C>A, p.Ala44Asp (NM_001407240.1, NM_001407241.1, NM_001407242.1 and 4 more transcripts); c.-604C>A (NM_001407246.1); short protein forms A44D.
Identifiers: ClinVar variation 4772620 (VCV004772620.1).